The following is an entry in ClinVar:

NM_006231.4(POLE):c.1559A>G (p.Gln520Arg)

Gene: POLE (DNA polymerase epsilon, catalytic subunit; minus strand). Cytogenetic location: 12q24.33.
Variant type: single nucleotide variant.
Coding change: c.1559A>G on transcript NM_006231.4 (MANE Select); coding-DNA position 1559, A replaced by G.
Protein change: p.Gln520Arg; replaces glutamine 520 with arginine.
Molecular consequence: missense variant.
Genome position (GRCh38, 1-based): chr12:132,672,754, T>C on the plus strand (A>G on the coding strand, the complement: POLE is on the minus strand). VCF-style: chr12-132672754-T-C. GRCh37 (hg19) VCF-style: chr12-133249340-T-C.
Other names: short protein forms Q520R.
Identifiers: ClinVar variation 405836 (VCV000405836.58), dbSNP rs780865223, ClinGen allele CA6893913.

ClinVar aggregate classification (germline): Uncertain significance. Review status: criteria provided, multiple submitters, no conflicts (2 of 4 stars). 11 submissions from 11 submitters: Uncertain significance (10). 1 of the submissions does not count toward it. Last evaluated 2026-01-30.

Conditions:
Hereditary cancer-predisposing syndrome. Also called: Neoplastic Syndromes, Hereditary; Hereditary neoplastic syndrome; Tumor predisposition; Hereditary Cancer Syndrome. Identifiers: Orphanet 140162, MedGen C0027672, MeSH D009386, MONDO:0015356.
Colorectal cancer, susceptibility to, 12 (CRCS12). Also called: COLORECTAL CANCER, SUSCEPTIBILITY TO, ON CHROMOSOME 12q24. Identifiers: Orphanet 220460, MedGen C3554460, MONDO:0014038, OMIM 615083.
POLE-related disorder. Also called: POLE-related condition; POLE-related disorders.

Allele frequency attached by ClinVar (database versions not stated): gnomAD exomes 0.00001; ExAC 0.00002; gnomAD 0.00011 and 0.00012; TOPMed 0.00026.
gnomAD v4.1: 29 of 1,614,056 alleles (0.0018%); highest among the groups gnomAD compares: Admixed American, 0.038%; no homozygotes.

Submissions (11):

Labcorp Genetics (formerly Invitae), Labcorp
Classification: Uncertain significance. Last evaluated: 2026-01-30. Review status: criteria provided, single submitter. Criteria: Invitae Variant Classification Sherloc (09022015). Collection method: clinical testing. Allele origin: germline.
Comment: This sequence change replaces glutamine, which is neutral and polar, with arginine, which is basic and polar, at codon 520 of the POLE protein (p.Gln520Arg). This variant is present in population databases (rs780865223, gnomAD 0.006%). This missense change has been observed in individual(s) with sporadic cutaneous malignant melanoma or colon cancer (PMID: 26251183). ClinVar contains an entry for this variant (Variation ID: 405836). Invitae Evidence Modeling of protein sequence and biophysical properties (such as structural, functional, and spatial information, amino acid conservation, physicochemical variation, residue mobility, and thermodynamic stability) indicates that this missense variant is expected to disrupt POLE protein function with a positive predictive value of 80%. In summary, the available evidence is currently insufficient to determine the role of this variant in disease. Therefore, it has been classified as a Variant of Uncertain Significance.

Center for Genomic Medicine, Rigshospitalet, Copenhagen University Hospital
Classification: Uncertain significance. Last evaluated: 2025-03-04. Review status: criteria provided, single submitter. Criteria: ACMG Guidelines, 2015. Collection method: clinical testing. Allele origin: germline.

Ambry Genetics
Classification: Uncertain significance for Hereditary cancer-predisposing syndrome. Last evaluated: 2024-12-06. Review status: criteria provided, single submitter. Criteria: Ambry Variant Classification Scheme 2023. Collection method: clinical testing. Allele origin: germline.
Comment: The p.Q520R variant (also known as c.1559A>G), located in coding exon 15 of the POLE gene, results from an A to G substitution at nucleotide position 1559. The glutamine at codon 520 is replaced by arginine, an amino acid with highly similar properties. This alteration was identified in an individual diagnosed with melanoma (Aoude LG et al. Fam Cancer, 2015 Dec;14:621-8). This amino acid position is highly conserved in available vertebrate species. In addition, the in silico prediction for this alteration is inconclusive. Based on the available evidence, the clinical significance of this variant remains unclear.

ARUP Laboratories, Molecular Genetics and Genomics, ARUP Laboratories
Classification: Uncertain significance. Last evaluated: 2024-10-02. Review status: criteria provided, single submitter. Criteria: ARUP Molecular Germline Variant Investigation Process 2024. Collection method: clinical testing. Allele origin: germline.
Comment: The POLE c.1559A>G; p.Gln520Arg variant (rs780865223) is reported in the literature in several individuals affected with melanoma or osteosarcoma, although it was not demonstrated to be disease-causing (Aoude 2015, Mirabello 2020). This variant is found in the general population with an overall allele frequency of 0.001% (3/250,834 alleles) in the Genome Aggregation Database (v2.1.1). Computational analyses are uncertain whether this variant is neutral or deleterious (REVEL: 0.42). Due to limited information, the clinical significance of this variant is uncertain at this time. References: Aoude LG et al. POLE mutations in families predisposed to cutaneous melanoma. Fam Cancer. 2015 Dec;14(4):621-8. PMID: 26251183. Mirabello L et al. Frequency of Pathogenic Germline Variants in Cancer-Susceptibility Genes in Patients With Osteosarcoma. JAMA Oncol. 2020 May 1;6(5):724-734. PMID: 32191290.

GeneDx
Classification: Uncertain significance. Last evaluated: 2024-08-23. Review status: criteria provided, single submitter. Criteria: GeneDx Variant Classification Process June 2021. Collection method: clinical testing. Allele origin: germline. Affected: yes.
Comment: Not observed at significant frequency in large population cohorts (gnomAD); In silico analysis supports that this missense variant has a deleterious effect on protein structure/function; Observed in individuals with a personal or family history including colon and other cancers (PMID: 26251183, 32191290); This variant is associated with the following publications: (PMID: 26251183, 29056344, 32191290)

Women's Health and Genetics/Laboratory Corporation of America, LabCorp
Classification: Uncertain significance. Last evaluated: 2024-03-20. Review status: criteria provided, single submitter. Criteria: LabCorp Variant Classification Summary - May 2015. Collection method: clinical testing. Allele origin: germline.
Comment: Variant summary: POLE c.1559A>G (p.Gln520Arg) results in a conservative amino acid change in the encoded protein sequence. Four of five in-silico tools predict a benign effect of the variant on protein function. The variant allele was found at a frequency of 1.2e-05 in 250834 control chromosomes (gnomAD). The available data on variant occurrences in the general population are insufficient to allow any conclusion about variant significance. c.1559A>G has been reported in the literature in an individual affected with melanoma and also in their mother, who was affected with colorectal cancer and had a family history of colorectal and other cancers, however these family members were unavailable for genetic analysis (Aoude_2015). This report does not provide unequivocal conclusions about association of the variant with Colorectal Cancer. To our knowledge, no experimental evidence demonstrating an impact on protein function has been reported. The following publication has been ascertained in the context of this evaluation (PMID: 26251183). ClinVar contains an entry for this variant (Variation ID: 405836). Based on the evidence outlined above, the variant was classified as uncertain significance.

KCCC/NGS Laboratory, Kuwait Cancer Control Center
Classification: Uncertain significance for Colorectal cancer, susceptibility to, 12. Last evaluated: 2023-07-07. Review status: criteria provided, single submitter. Criteria: ACMG Guidelines, 2015. Collection method: clinical testing. Allele origin: unknown. Affected: yes.
Comment: This sequence change replaces glutamine with arginine at codon 520 of the POLE protein (p.Gln520Arg). The glutamine residue is moderately conserved and there is a small physicochemical difference between glutamine and arginine. This variant is present in population databases (rs780865223, ExAC 0.003%). This variant has been observed in an individual affected with sporadic cutaneous malignant melanoma, as well as the mother of that individual, who was affected with colon cancer (PMID: 26251183). ClinVar contains an entry for this variant (Variation ID: 405836). Algorithms developed to predict the effect of missense changes on protein structure and function do not agree on the potential impact of this missense change (SIFT: "Tolerated"; PolyPhen-2: "Possibly Damaging"; Align-GVGD: "Class C0"). In summary, the available evidence is currently insufficient to determine the role of this variant in disease. Therefore, it has been classified as a Variant of Uncertain Significance.

CeGaT Center for Human Genetics Tuebingen
Classification: Uncertain significance. Last evaluated: 2022-12-01. Review status: criteria provided, single submitter. Criteria: CeGaT Center For Human Genetics Tuebingen Variant Classification Criteria Version 2. Collection method: clinical testing. Allele origin: germline. Affected: yes. Observed: 1 variant allele.

Sema4
Classification: Uncertain significance for Hereditary cancer-predisposing syndrome. Last evaluated: 2021-04-05. Review status: criteria provided, single submitter. Criteria: Sema4 Curation Guidelines. Collection method: curation. Allele origin: germline.
Comment: The POLE c.1559A>G (p.Q520R) variant has been reported in a cutaneous malignant melanoma patient and in the mother of this patient who had colorectal cancer (PMID: 26251183). It was observed in 3/250834 chromosomes in the large and broad cohorts of the Genome Aggregation Database (PMID: 32461654). The variant has been reported in ClinVar (Variation ID: 405836). In silico tools suggest the impact of the variant on protein function is inconclusive though these predictions have not been confirmed by functional studies. The evidence is insufficient to meet ACMG/AMP criteria for classifying the variant as benign or pathogenic. Thus, the clinical significance of this variant is currently uncertain.

Quest Diagnostics Nichols Institute San Juan Capistrano
Classification: Uncertain significance. Last evaluated: 2019-11-11. Review status: criteria provided, single submitter. Criteria: Quest Diagnostics criteria. Collection method: clinical testing. Allele origin: unknown.

PreventionGenetics, part of Exact Sciences
Classification: Uncertain significance for POLE-related condition. Last evaluated: 2024-06-19. Review status: no assertion criteria provided. Collection method: clinical testing. Allele origin: germline. Not counted in ClinVar's aggregate classification.
Comment: The POLE c.1559A>G variant is predicted to result in the amino acid substitution p.Gln520Arg. This variant has been reported in a proband with cutaneous melanoma and their mother who had been previously diagnosed with colorectal cancer (Aoude et al. 2015. PubMed ID: 26251183, Table 1, Family F89). The proband had a strong maternal family history of colorectal cancer. This variant has also been identified in one individual with osteosarcoma (Mirabello L et al. 2020. PubMed ID: 32191290). In the gnomAD public population database this variant has been reported in 3 of ~251,000 alleles and is interpreted as uncertain in ClinVar. At this time, the clinical significance of this variant is uncertain due to the absence of conclusive functional and genetic evidence.

Literature cited by the submitters: PubMed 26251183 (cited by 6 submitters); PubMed 32191290 (cited by Center for Genomic Medicine, Rigshospitalet, Copenhagen University Hospital).